The following is an entry in ClinVar:

NM_000208.4(INSR):c.1638C>T (p.Asp546=)

Gene: INSR (insulin receptor; minus strand). Cytogenetic location: 19p13.2.
Variant type: single nucleotide variant.
Coding change: c.1638C>T on transcript NM_000208.4 (MANE Select); coding-DNA position 1638, C replaced by T.
Protein change: p.Asp546=; no amino-acid change (aspartic acid 546 retained).
Molecular consequence: synonymous variant.
Genome position (GRCh38, 1-based): chr19:7,166,377, G>A on the plus strand (C>T on the coding strand, the complement: INSR is on the minus strand). VCF-style: chr19-7166377-G-A. GRCh37 (hg19) VCF-style: chr19-7166388-G-A.
Other names: c.1638C>T, p.Asp546= (NM_001079817.3).
Identifiers: ClinVar variation 330470 (VCV000330470.28), dbSNP rs2229429, ClinGen allele CA9135776.

ClinVar aggregate classification (germline): Benign. Review status: criteria provided, multiple submitters, no conflicts (2 of 4 stars). 9 submissions from 7 submitters: Benign (9). Last evaluated 2026-02-03.

Conditions:
Insulin-resistant diabetes mellitus AND acanthosis nigricans. Also called: type A insulin resistance; DIABETES MELLITUS, INSULIN-RESISTANT, WITH ACANTHOSIS NIGRICANS, TYPE A; INSULIN RECEPTOR, DEFECT IN, WITH INSULIN-RESISTANT DIABETES MELLITUS AND ACANTHOSIS NIGRICANS; IRAN, TYPE A; Insulin-resistance syndrome type A. Identifiers: Orphanet 2297, MedGen C0342278, MONDO:0012520, OMIM 610549.
Rabson-Mendenhall syndrome. Also called: Pineal Hyperplasia, Insulin-Resistant Diabetes Mellitus, and Somatic Abnormalities; MENDENHALL SYNDROME; Pineal hyperplasia AND diabetes mellitus syndrome. Identifiers: Orphanet 769, MedGen C0271695, MONDO:0009874, OMIM 262190.
Leprechaunism syndrome. Also called: LEPRECHAUNISM; Donohue syndrome. Identifiers: Orphanet 508, MedGen C0265344, MONDO:0009517, OMIM 246200.

Allele frequency attached by ClinVar (database versions not stated): 1000 Genomes Project 0.25659; TOPMed 0.26625; 1000 Genomes Project 30x 0.26655; ESP Exome Variant Server 0.27764.
gnomAD v4.1: 329,483 of 1,613,476 alleles (20%); highest among the groups gnomAD compares: African/African-American, 44%; 37,173 homozygotes.

Submissions (9):

Labcorp Genetics (formerly Invitae), Labcorp
Classification: Benign. Last evaluated: 2026-02-03. Review status: criteria provided, single submitter. Criteria: Invitae Variant Classification Sherloc (09022015). Collection method: clinical testing. Allele origin: germline.

Blueprint Genetics
Classification: Benign. Last evaluated: 2024-11-28. Review status: criteria provided, single submitter. Criteria: ACMG Guidelines, 2015. Collection method: clinical testing. Allele origin: germline.

ARUP Laboratories, Molecular Genetics and Genomics, ARUP Laboratories
Classification: Benign. Last evaluated: 2021-03-24. Review status: criteria provided, single submitter. Criteria: ARUP Molecular Germline Variant Investigation Process 2021. Collection method: clinical testing. Allele origin: germline.

GeneDx
Classification: Benign. Last evaluated: 2018-11-12. Review status: criteria provided, single submitter. Criteria: GeneDx Variant Classification Process June 2021. Collection method: clinical testing. Allele origin: germline. Affected: yes.

Illumina Laboratory Services, Illumina
Classification: Benign for Insulin-resistant diabetes mellitus AND acanthosis nigricans. Last evaluated: 2018-01-12. Review status: criteria provided, single submitter. Criteria: ICSL Variant Classification Criteria 13 December 2019. Collection method: clinical testing. Allele origin: germline.
Comment: This variant was observed in the ICSL laboratory as part of a predisposition screen in an ostensibly healthy population. It had not been previously curated by ICSL or reported in the Human Gene Mutation Database (HGMD: prior to June 1st, 2018), and was therefore a candidate for classification through an automated scoring system. Utilizing variant allele frequency, disease prevalence and penetrance estimates, and inheritance mode, an automated score was calculated to assess if this variant is too frequent to cause the disease. Based on the score and internal cut-off values, a variant classified as benign is not then subjected to further curation. The score for this variant resulted in a classification of benign for this disease.

Illumina Laboratory Services, Illumina
Classification: Benign for Leprechaunism syndrome. Last evaluated: 2018-01-12. Review status: criteria provided, single submitter. Criteria: ICSL Variant Classification Criteria 13 December 2019. Collection method: clinical testing. Allele origin: germline.
Comment: the same text as in the submission from Illumina Laboratory Services, Illumina above.

Illumina Laboratory Services, Illumina
Classification: Benign for Rabson-Mendenhall syndrome. Last evaluated: 2018-01-12. Review status: criteria provided, single submitter. Criteria: ICSL Variant Classification Criteria 13 December 2019. Collection method: clinical testing. Allele origin: germline.
Comment: the same text as in the submission from Illumina Laboratory Services, Illumina above.

Laboratory for Molecular Medicine, Mass General Brigham Personalized Medicine
Classification: Benign. Last evaluated: 2016-03-28. Review status: criteria provided, single submitter. Criteria: LMM Criteria. Collection method: clinical testing. Allele origin: germline.
Comment: Variant identified in a genome or exome case(s) and assessed due to predicted null impact of the variant or pathogenic assertions in the literature or databases. Disclaimer: This variant has not undergone full assessment. The following are preliminary notes: Frequency

Breakthrough Genomics
Classification: Benign. Review status: criteria provided, single submitter. Criteria: ACMG Guidelines, 2015. Collection method: not provided. Allele origin: germline. Inheritance: Autosomal recessive inheritance. Affected: yes.